The following is an entry in ClinVar:

NM_182641.4(BPTF):c.1673A>T (p.Glu558Val)

Gene: BPTF (bromodomain PHD finger transcription factor; plus strand). Cytogenetic location: 17q24.2.
Variant type: single nucleotide variant.
Coding change: c.1673A>T on transcript NM_182641.4 (MANE Select); coding-DNA position 1673, A replaced by T.
Protein change: p.Glu558Val; replaces glutamic acid 558 with valine.
Molecular consequence: missense variant.
Genome position (GRCh38, 1-based): chr17:67,874,829, A>T. VCF-style: chr17-67874829-A-T. GRCh37 (hg19) VCF-style: chr17-65870945-A-T.
Other names: c.1673A>T, p.Glu558Val (NM_004459.7); short protein forms E558V.
Identifiers: ClinVar variation 2787486 (VCV002787486.4), dbSNP rs1481345483, ClinGen allele CA400714174.

ClinVar aggregate classification (germline): Uncertain significance. Review status: criteria provided, multiple submitters, no conflicts (2 of 4 stars). 2 submissions from 2 submitters: Uncertain significance (2). Last evaluated 2023-06-15.

Allele frequency attached by ClinVar (database versions not stated): gnomAD exomes below 0.00001.
gnomAD v4.1: 4 of 1,605,726 alleles (0.00025%); highest among the groups gnomAD compares: Non-Finnish European, 0.00034%; no homozygotes.

Submissions (2):

Labcorp Genetics (formerly Invitae), Labcorp
Classification: Uncertain significance. Last evaluated: 2023-06-15. Review status: criteria provided, single submitter. Criteria: Invitae Variant Classification Sherloc (09022015). Collection method: clinical testing. Allele origin: germline.
Comment: An algorithm developed to predict the effect of missense changes on protein structure and function (PolyPhen-2) suggests that this variant is likely to be disruptive. This sequence change replaces glutamic acid, which is acidic and polar, with valine, which is neutral and non-polar, at codon 558 of the BPTF protein (p.Glu558Val). This variant is present in population databases (no rsID available, gnomAD 0.002%). This variant has not been reported in the literature in individuals affected with BPTF-related conditions. In summary, the available evidence is currently insufficient to determine the role of this variant in disease. Therefore, it has been classified as a Variant of Uncertain Significance.

Blueprint Genetics
Classification: Uncertain significance. Last evaluated: 2023-04-13. Review status: criteria provided, single submitter. Criteria: ACMG Guidelines, 2015. Collection method: clinical testing. Allele origin: germline.